The following is an entry in ClinVar:

ClinVar aggregate classification (germline): Uncertain significance (1 of 4 stars; one submission).

Allele frequency attached by ClinVar (database versions not stated): gnomAD exomes below 0.00001 and 0.00001.
gnomAD v4.1: 10 of 1,593,970 alleles (0.00063%); highest among the groups gnomAD compares: African/African-American, 0.011%; no homozygotes.

Submission:

Labcorp Genetics (formerly Invitae), Labcorp
Classification: Uncertain significance. Last evaluated: 2022-05-27. Review status: criteria provided, single submitter. Criteria: Invitae Variant Classification Sherloc (09022015). Collection method: clinical testing. Allele origin: germline.
Comment: In summary, the available evidence is currently insufficient to determine the role of this variant in disease. Therefore, it has been classified as a Variant of Uncertain Significance. Algorithms developed to predict the effect of missense changes on protein structure and function are either unavailable or do not agree on the potential impact of this missense change (SIFT: "Not Available"; PolyPhen-2: "Benign"; Align-GVGD: "Not Available"). This variant has not been reported in the literature in individuals affected with CTSB-related conditions. This variant is present in population databases (no rsID available, gnomAD 0.02%). This sequence change replaces proline, which is neutral and non-polar, with serine, which is neutral and polar, at codon 213 of the CTSB protein (p.Pro213Ser).

NM_001908.5(CTSB):c.637C>T (p.Pro213Ser)

Gene: CTSB (cathepsin B). Cytogenetic location: 8p23.1.
Variant type: single nucleotide variant.
Coding change: c.637C>T on transcript NM_001908.5 (MANE Select); coding-DNA position 637, C replaced by T.
Protein change: p.Pro213Ser; replaces proline 213 with serine.
Molecular consequence: missense variant.
Genome position (GRCh38, 1-based): chr8:11,847,718, G>A on the plus strand (C>T on the coding strand, the complement: CTSB is on the minus strand). VCF-style: chr8-11847718-G-A. GRCh37 (hg19) VCF-style: chr8-11705227-G-A.
Other names: c.637C>T, p.Pro213Ser (NM_147781.4, NM_147782.4, NM_147783.4 and 8 more transcripts); c.265C>T, p.Pro89Ser (NM_001317237.2); short protein forms P89S, P213S.
Identifiers: ClinVar variation 1525920 (VCV001525920.8), dbSNP rs779605179, ClinGen allele CA370319654.